The following is an entry in ClinVar:

ClinVar aggregate classification (germline): Uncertain significance (1 of 4 stars; one submission).

Submission:

Ambry Genetics
Classification: Uncertain significance. Last evaluated: 2024-11-30. Review status: criteria provided, single submitter. Criteria: Ambry Variant Classification Scheme 2023. Collection method: clinical testing. Allele origin: germline.
Comment: The p.P295S variant (also known as c.883C>T), located in coding exon 3 of the WNK2 gene, results from a C to T substitution at nucleotide position 883. The proline at codon 295 is replaced by serine, an amino acid with similar properties. This amino acid position is conserved. In addition, this alteration is predicted to be tolerated by in silico analysis. Based on the available evidence, the clinical significance of this variant remains unclear.

NM_006648.4(WNK2):c.883C>T (p.Pro295Ser)

Gene: WNK2 (WNK lysine deficient protein kinase 2; plus strand). Cytogenetic location: 9q22.31.
Variant type: single nucleotide variant.
Coding change: c.883C>T on transcript NM_006648.4 (MANE Select); coding-DNA position 883, C replaced by T.
Protein change: p.Pro295Ser; replaces proline 295 with serine.
Molecular consequence: missense variant.
Genome position (GRCh38, 1-based): chr9:93,230,916, C>T. VCF-style: chr9-93230916-C-T. GRCh37 (hg19) VCF-style: chr9-95993198-C-T.
Other names: c.883C>T, p.Pro295Ser (NM_001282394.3); short protein forms P295S.
Identifiers: ClinVar variation 3470525 (VCV003470525.1).